The following is an entry in ClinVar:

ClinVar aggregate classification (germline): Uncertain significance (1 of 4 stars; one submission).

Conditions:
Primary ciliary dyskinesia 30. Also called: CILIARY DYSKINESIA, PRIMARY, 30, WITH OR WITHOUT SITUS INVERSUS. Identifiers: Orphanet 244, MedGen C4015016, MONDO:0014465, OMIM 616037.

Allele frequency attached by ClinVar (database versions not stated): TOPMed below 0.00001; gnomAD 0.00001.
gnomAD v4.1: 1 of 1,613,874 alleles (0.000062%); highest among the groups gnomAD compares: African/African-American, 0.0013%; no homozygotes.

Submission:

Labcorp Genetics (formerly Invitae), Labcorp
Classification: Uncertain significance for Primary ciliary dyskinesia 30. Last evaluated: 2017-08-13. Review status: criteria provided, single submitter. Criteria: Invitae Variant Classification Sherloc (09022015). Collection method: clinical testing. Allele origin: germline.
Comment: In summary, the available evidence is currently insufficient to determine the role of this variant in disease. Therefore, it has been classified as a Variant of Uncertain Significance. Algorithms developed to predict the effect of missense changes on protein structure and function output the following: SIFT: "Deleterious"; PolyPhen-2: "Benign"; Align-GVGD: "Class C0". The glutamic acid amino acid residue is found in multiple mammalian species, suggesting that this missense change does not adversely affect protein function. These predictions have not been confirmed by published functional studies and their clinical significance is uncertain. This variant has not been reported in the literature in individuals with CCDC151-related disease. This variant is not present in population databases (ExAC no frequency). This sequence change replaces glutamine with glutamic acid at codon 70 of the CCDC151 protein (p.Gln70Glu). The glutamine residue is highly conserved and there is a small physicochemical difference between glutamine and glutamic acid.

NM_145045.5(ODAD3):c.208C>G (p.Gln70Glu)

Gene: ODAD3 (outer dynein arm docking complex subunit 3; minus strand). Cytogenetic location: 19p13.2.
Variant type: single nucleotide variant.
Coding change: c.208C>G on transcript NM_145045.5 (MANE Select); coding-DNA position 208, C replaced by G.
Protein change: p.Gln70Glu; replaces glutamine 70 with glutamic acid.
Molecular consequence: missense variant. On other transcripts: intron variant (1).
Genome position (GRCh38, 1-based): chr19:11,434,809, G>C on the plus strand (C>G on the coding strand, the complement: ODAD3 is on the minus strand). VCF-style: chr19-11434809-G-C. GRCh37 (hg19) VCF-style: chr19-11545630-G-C.
Other names: c.208C>G, p.Gln70Glu (NM_001302454.2); c.82+881C>G (NM_001302453.1); short protein forms Q70E.
Identifiers: ClinVar variation 544213 (VCV000544213.8), dbSNP rs892807467, ClinGen allele CA305341188.